The following is an entry in ClinVar:

NM_000260.4(MYO7A):c.3702C>G (p.Thr1234=)

Gene: MYO7A (myosin VIIA; plus strand). Cytogenetic location: 11q13.5.
Variant type: single nucleotide variant.
Coding change: c.3702C>G on transcript NM_000260.4 (MANE Select); coding-DNA position 3702, C replaced by G.
Protein change: p.Thr1234=; no amino-acid change (threonine 1234 retained).
Molecular consequence: synonymous variant.
Genome position (GRCh38, 1-based): chr11:77,190,091, C>G. VCF-style: chr11-77190091-C-G. GRCh37 (hg19) VCF-style: chr11-76901136-C-G.
Other names: c.3702C>G, p.Thr1234= (NM_001127180.2); c.3669C>G, p.Thr1223= (NM_001369365.1).
Identifiers: ClinVar variation 227682 (VCV000227682.22), dbSNP rs77299211, ClinGen allele CA6198175.

ClinVar aggregate classification (germline): Conflicting classifications of pathogenicity. Review status: criteria provided, conflicting classifications (1 of 4 stars). 8 submissions from 6 submitters: Uncertain significance (2); Benign (1); Likely benign (4). 1 of the submissions does not count toward it. Last evaluated 2026-01-20.

Conditions:
Inborn genetic diseases. Identifiers: MedGen C0950123, MeSH D030342.
MYO7A-related disorder. Also called: MYO7A-related disorders.
Autosomal dominant nonsyndromic hearing loss 11. Identifiers: Orphanet 90635, MedGen C1832475, MONDO:0011032, OMIM 601317.
Autosomal recessive nonsyndromic hearing loss 2. Also called: DEAFNESS, AUTOSOMAL RECESSIVE 2; NEUROSENSORY NONSYNDROMIC RECESSIVE DEAFNESS 2. Identifiers: Orphanet 90636, MedGen C1838701, MONDO:0010807, OMIM 600060.
Usher syndrome type 1 (USH1). Also called: RETINITIS PIGMENTOSA AND CONGENITAL DEAFNESS. Identifiers: Orphanet 231169, Orphanet 886, MedGen C1568247, MONDO:0010168, OMIM 276900.

Allele frequency attached by ClinVar (database versions not stated): gnomAD 0.00001 and 0.00005; gnomAD exomes 0.00008 and 0.00014; TOPMed 0.00012; 1000 Genomes Project 30x 0.00016; 1000 Genomes Project 0.00020; ExAC 0.00023.
gnomAD v4.1: 121 of 1,579,620 alleles (0.0077%); highest among the groups gnomAD compares: East Asian, 0.24%; no homozygotes.

Submissions (8):

Labcorp Genetics (formerly Invitae), Labcorp
Classification: Likely benign. Last evaluated: 2026-01-20. Review status: criteria provided, single submitter. Criteria: Invitae Variant Classification Sherloc (09022015). Collection method: clinical testing. Allele origin: germline.

Blueprint Genetics
Classification: Likely benign. Last evaluated: 2024-08-09. Review status: criteria provided, single submitter. Criteria: ACMG Guidelines, 2015. Collection method: clinical testing. Allele origin: germline.

Ambry Genetics
Classification: Likely benign for Inborn genetic diseases. Last evaluated: 2024-01-29. Review status: criteria provided, single submitter. Criteria: Ambry Variant Classification Scheme 2023. Collection method: clinical testing. Allele origin: germline.

Illumina Laboratory Services, Illumina
Classification: Uncertain significance for Usher syndrome type 1. Last evaluated: 2017-04-28. Review status: criteria provided, single submitter. Criteria: ICSL Variant Classification Criteria 13 December 2019. Collection method: clinical testing. Allele origin: germline.

Illumina Laboratory Services, Illumina
Classification: Uncertain significance for Autosomal recessive nonsyndromic hearing loss 2. Last evaluated: 2017-04-28. Review status: criteria provided, single submitter. Criteria: ICSL Variant Classification Criteria 13 December 2019. Collection method: clinical testing. Allele origin: germline.

Illumina Laboratory Services, Illumina
Classification: Benign for Autosomal dominant nonsyndromic hearing loss 11. Last evaluated: 2017-04-28. Review status: criteria provided, single submitter. Criteria: ICSL Variant Classification Criteria 13 December 2019. Collection method: clinical testing. Allele origin: germline.
Comment: This variant was observed as part of a predisposition screen in an ostensibly healthy population. A literature search was performed for the gene, cDNA change, and amino acid change (where applicable). No publications were found based on this search. Allele frequency data from public databases was too high to be consistent with this variant causing disease. Therefore, this variant is classified as benign.

Laboratory for Molecular Medicine, Mass General Brigham Personalized Medicine
Classification: Likely benign. Last evaluated: 2015-06-16. Review status: criteria provided, single submitter. Criteria: LMM Criteria. Collection method: clinical testing. Allele origin: germline. Observed: 2 variant alleles.
Comment: p.Thr1234Thr in exon 29 of MYO7A: This variant is not expected to have clinical significance because it does not alter an amino acid residue and is not located within the splice consensus sequence. It has been identified in 0.4% (6/1402) of East Asian chromosomes by the Exome Aggregation Consortium (ExAC; dbSNP rs77299211).

PreventionGenetics, part of Exact Sciences
Classification: Likely benign for MYO7A-related condition. Last evaluated: 2024-09-17. Review status: no assertion criteria provided. Collection method: clinical testing. Allele origin: germline. Not counted in ClinVar's aggregate classification.
Comment: This variant is classified as likely benign based on ACMG/AMP sequence variant interpretation guidelines (Richards et al. 2015 PMID: 25741868, with internal and published modifications).